The following is an entry in ClinVar:

NM_004700.4(KCNQ4):c.485G>A (p.Gly162Glu)

Gene: KCNQ4 (potassium voltage-gated channel subfamily Q member 4; plus strand). Cytogenetic location: 1p34.2.
Variant type: single nucleotide variant.
Coding change: c.485G>A on transcript NM_004700.4 (MANE Select); coding-DNA position 485, G replaced by A.
Protein change: p.Gly162Glu; replaces glycine 162 with glutamic acid.
Molecular consequence: missense variant.
Genome position (GRCh38, 1-based): chr1:40,818,243, G>A. VCF-style: chr1-40818243-G-A. GRCh37 (hg19) VCF-style: chr1-41283915-G-A.
Other names: c.485G>A, p.Gly162Glu (NM_172163.3); short protein forms G162E.
Identifiers: ClinVar variation 2261256 (VCV002261256.27), dbSNP rs2523880204, ClinGen allele CA339893868.

ClinVar aggregate classification (germline): Uncertain significance. Review status: criteria provided, multiple submitters, no conflicts (2 of 4 stars). 3 submissions from 3 submitters: Uncertain significance (3). Last evaluated 2023-09-01.

Conditions:
Inborn genetic diseases. Identifiers: MedGen C0950123, MeSH D030342.
Autosomal dominant nonsyndromic hearing loss 2A. Also called: DFNA2 Nonsyndromic Hearing Loss; Deafness, autosomal dominant 2A; Autosomal dominant nonsyndromic deafness 2A. Identifiers: Orphanet 90635, MedGen C2677637, MONDO:0010817, OMIM 600101.

Allele frequency attached by ClinVar (database versions not stated): gnomAD exomes below 0.00001.
gnomAD v4.1: 1 of 1,613,996 alleles (0.000062%); highest among the groups gnomAD compares: South Asian, 0.0011%; no homozygotes.

Submissions (3):

CeGaT Center for Human Genetics Tuebingen
Classification: Uncertain significance. Last evaluated: 2023-09-01. Review status: criteria provided, single submitter. Criteria: CeGaT Center For Human Genetics Tuebingen Variant Classification Criteria Version 2. Collection method: clinical testing. Allele origin: germline. Affected: yes. Observed: 1 variant allele.
Comment: KCNQ4: PM2, PP2, PP3

Genome-Nilou Lab
Classification: Uncertain significance for Autosomal dominant nonsyndromic hearing loss 2A. Last evaluated: 2023-04-11. Review status: criteria provided, single submitter. Criteria: ACMG Guidelines, 2015. Collection method: clinical testing. Allele origin: germline. Affected: no.

Ambry Genetics
Classification: Uncertain significance for Inborn genetic diseases. Last evaluated: 2021-11-15. Review status: criteria provided, single submitter. Criteria: Ambry Variant Classification Scheme 2023. Collection method: clinical testing. Allele origin: germline.